The following is an entry in ClinVar:

NM_003036.4(SKI):c.*17C>A

Gene: SKI (SKI proto-oncogene; plus strand). Cytogenetic location: 1p36.32.
Variant type: single nucleotide variant.
Coding change: c.*17C>A on transcript NM_003036.4 (MANE Select); 17 bases downstream of the stop codon, C replaced by A.
Molecular consequence: 3 prime UTR variant.
Genome position (GRCh38, 1-based): chr1:2,306,782, C>A. VCF-style: chr1-2306782-C-A. GRCh37 (hg19) VCF-style: chr1-2238221-C-A.
Identifiers: ClinVar variation 3340267 (VCV003340267.1).

ClinVar aggregate classification (germline): Likely benign (1 of 4 stars; one submission).

gnomAD v4.1: 2 of 1,484,832 alleles (0.00013%); highest among the groups gnomAD compares: Non-Finnish European, 0.00018%; no homozygotes.

Submission:

GeneDx
Classification: Likely benign. Last evaluated: 2017-03-20. Review status: criteria provided, single submitter. Criteria: GeneDx Variant Classification Process June 2021. Collection method: clinical testing. Allele origin: germline. Affected: yes.
Comment: See Variant Classification Assertion Criteria.